The following is an entry in ClinVar:

NM_012199.5(AGO1):c.508A>G (p.Met170Val)

Gene: AGO1 (argonaute RISC component 1; plus strand). Cytogenetic location: 1p34.3.
Variant type: single nucleotide variant.
Coding change: c.508A>G on transcript NM_012199.5 (MANE Select); coding-DNA position 508, A replaced by G.
Protein change: p.Met170Val; replaces methionine 170 with valine.
Molecular consequence: missense variant.
Genome position (GRCh38, 1-based): chr1:35,893,274, A>G. VCF-style: chr1-35893274-A-G. GRCh37 (hg19) VCF-style: chr1-36358875-A-G.
Other names: NM_001317123.2:c.283A>G; c.508A>G, p.Met170Val (NM_001317122.2); c.283A>G, p.Met95Val (NM_001317123.2); short protein forms M170V, M95V.
Identifiers: ClinVar variation 4974519 (VCV004974519.1).

ClinVar aggregate classification (germline): Uncertain significance (1 of 4 stars; one submission).

Conditions:
Neurodevelopmental disorder with language delay and behavioral abnormalities, with or without seizures (NEDLBAS). Identifiers: MedGen C5830365, MONDO:0859531, OMIM 620292.

Submission:

Broad Center for Mendelian Genomics, Broad Institute of MIT and Harvard
Classification: Uncertain significance for Neurodevelopmental disorder with language delay and behavioral abnormalities, with or without seizures. Last evaluated: 2026-08-12. Review status: criteria provided, single submitter. Criteria: ACMG Guidelines, 2015. Collection method: research. Allele origin: germline. Inheritance: Autosomal dominant inheritance. Study: GREGoR Consortium.
Comment: The p.Met170Val variant in AGO1 has not been previously reported in the literature in individuals with neurodevelopmental disorder, and was absent from large population studies. Computational prediction tools and conservation analyses do not provide strong support for or against an impact to the protein. The number of missense variants reported in AGO1 in the general population is lower than expected, suggesting there is little benign variation in this gene and slightly increasing the possibility that a missense variant in this gene may not be tolerated. In summary, the clinical significance of the p.Met170Val variant is uncertain. ACMG/AMP Criteria applied: PP2, PM2_supporting (Richards 2015).